The following is an entry in ClinVar:

NM_001079843.3(CASZ1):c.3806C>T (p.Ala1269Val)

Gene: CASZ1 (castor zinc finger 1; minus strand). Cytogenetic location: 1p36.22.
Variant type: single nucleotide variant.
Coding change: c.3806C>T on transcript NM_001079843.3 (MANE Select); coding-DNA position 3806, C replaced by T.
Protein change: p.Ala1269Val; replaces alanine 1269 with valine.
Molecular consequence: missense variant.
Genome position (GRCh38, 1-based): chr1:10,644,979, G>A on the plus strand (C>T on the coding strand, the complement: CASZ1 is on the minus strand). VCF-style: chr1-10644979-G-A. GRCh37 (hg19) VCF-style: chr1-10705036-G-A.
Other names: short protein forms A1269V.
Identifiers: ClinVar variation 2968335 (VCV002968335.3), dbSNP rs769941058, ClinGen allele CA584396.
Genomic context (GRCh38, chr1:10,644,979, plus strand): 5'-AGCCTGCCACACTCCTCGCGCTTGGTGAAGTATTTGAAGCCATTGGCTGCCCGCCGCTCC[G>A]CCTTCTCATGCTTCTTGATGTGCCAGGGGAGCTTGGTGGTGATGTTGGTCACAAAATAGC-3'
Protein context (NP_001073312.1, residues 1259-1279): LPWHIKKHEK[Ala1269Val]ERRAANGFKY

ClinVar aggregate classification (germline): Uncertain significance (1 of 4 stars; one submission).

Allele frequency attached by ClinVar (database versions not stated): ExAC 0.00002; TOPMed 0.00002; gnomAD 0.00003.
gnomAD v4.1: 34 of 1,613,860 alleles (0.0021%); highest among the groups gnomAD compares: South Asian, 0.0033%; no homozygotes.

Submission:

Labcorp Genetics (formerly Invitae), Labcorp
Classification: Uncertain significance. Last evaluated: 2023-11-25. Review status: criteria provided, single submitter. Criteria: Invitae Variant Classification Sherloc (09022015). Collection method: clinical testing. Allele origin: germline.
Comment: This sequence change replaces alanine, which is neutral and non-polar, with valine, which is neutral and non-polar, at codon 1269 of the CASZ1 protein (p.Ala1269Val). This variant is present in population databases (rs769941058, gnomAD 0.008%). This variant has not been reported in the literature in individuals affected with CASZ1-related conditions. An algorithm developed to predict the effect of missense changes on protein structure and function (PolyPhen-2) suggests that this variant is likely to be disruptive. In summary, the available evidence is currently insufficient to determine the role of this variant in disease. Therefore, it has been classified as a Variant of Uncertain Significance.